The following is an entry in ClinVar:

ClinVar aggregate classification (germline): Uncertain significance. Review status: criteria provided, multiple submitters, no conflicts (2 of 4 stars). 3 submissions from 3 submitters: Uncertain significance (3). Last evaluated 2025-09-17.

Conditions:
Spinocerebellar ataxia type 19/22 (SCA19). Also called: SPINOCEREBELLAR ATAXIA 22; SPINOCEREBELLAR ATAXIA 19. Identifiers: Orphanet 98772, MedGen C1846367, MONDO:0011819, OMIM 607346.
Cardiovascular phenotype. Identifiers: MedGen CN230736.

gnomAD v4.1: 2 of 1,613,732 alleles (0.00012%); highest among the groups gnomAD compares: Non-Finnish European, 0.00017%; no homozygotes.

Submissions (3):

Ambry Genetics
Classification: Uncertain significance for Cardiovascular phenotype. Last evaluated: 2025-09-17. Review status: criteria provided, single submitter. Criteria: Ambry Variant Classification Scheme 2023. Collection method: clinical testing. Allele origin: germline.
Comment: The p.S490C variant (also known as c.1469C>G), located in coding exon 5 of the KCND3 gene, results from a C to G substitution at nucleotide position 1469. The serine at codon 490 is replaced by cysteine, an amino acid with dissimilar properties. This amino acid position is conserved. In addition, this alteration is predicted to be deleterious by in silico analysis. Based on the available evidence, the clinical significance of this variant remains unclear.

GeneDx
Classification: Uncertain significance. Last evaluated: 2025-07-14. Review status: criteria provided, single submitter. Criteria: GeneDx Variant Classification Process June 2021. Collection method: clinical testing. Allele origin: germline. Affected: yes.
Comment: Not observed at significant frequency in large population cohorts (gnomAD); In silico analysis suggests that this missense variant does not alter protein structure/function; Has not been previously published as pathogenic or benign to our knowledge

Labcorp Genetics (formerly Invitae), Labcorp
Classification: Uncertain significance for Spinocerebellar ataxia type 19/22. Last evaluated: 2024-02-08. Review status: criteria provided, single submitter. Criteria: Invitae Variant Classification Sherloc (09022015). Collection method: clinical testing. Allele origin: germline.
Comment: This sequence change replaces serine, which is neutral and polar, with cysteine, which is neutral and slightly polar, at codon 490 of the KCND3 protein (p.Ser490Cys). This variant is present in population databases (no rsID available, gnomAD 0.0009%). This variant has not been reported in the literature in individuals affected with KCND3-related conditions. An algorithm developed to predict the effect of missense changes on protein structure and function (PolyPhen-2) suggests that this variant is likely to be tolerated. In summary, the available evidence is currently insufficient to determine the role of this variant in disease. Therefore, it has been classified as a Variant of Uncertain Significance.

NM_001378969.1(KCND3):c.1469C>G (p.Ser490Cys)

Gene: KCND3 (potassium voltage-gated channel subfamily D member 3; minus strand). Cytogenetic location: 1p13.2.
Variant type: single nucleotide variant.
Coding change: c.1469C>G on transcript NM_001378969.1 (MANE Select); coding-DNA position 1469, C replaced by G.
Protein change: p.Ser490Cys; replaces serine 490 with cysteine.
Molecular consequence: missense variant. On other transcripts: intron variant (2).
Genome position (GRCh38, 1-based): chr1:111,778,485, G>C on the plus strand (C>G on the coding strand, the complement: KCND3 is on the minus strand). VCF-style: chr1-111778485-G-C. GRCh37 (hg19) VCF-style: chr1-112321107-G-C.
Other names: c.1469C>G, p.Ser490Cys (NM_004980.5); c.1462-1212C>G (NM_001378970.1, NM_172198.3); short protein forms S490C.
Identifiers: ClinVar variation 3691817 (VCV003691817.4).